The following is an entry in ClinVar:

ClinVar aggregate classification (germline): Likely benign (1 of 4 stars; one submission).

gnomAD v4.1: 47 of 1,612,460 alleles (0.0029%); highest among the groups gnomAD compares: Middle Eastern, 0.022%; no homozygotes.

Submission:

CeGaT Center for Human Genetics Tuebingen
Classification: Likely benign. Last evaluated: 2024-08-01. Review status: criteria provided, single submitter. Criteria: CeGaT Center For Human Genetics Tuebingen Variant Classification Criteria Version 2. Collection method: clinical testing. Allele origin: germline. Affected: yes. Observed: 1 variant allele.
Comment: CUX1: BP4, BP7

NM_181552.4(CUX1):c.162G>A (p.Ala54=)

Gene: CUX1 (cut like homeobox 1; plus strand). Cytogenetic location: 7q22.1.
Variant type: single nucleotide variant.
Coding change: c.162G>A on transcript NM_181552.4 (MANE Select); coding-DNA position 162, G replaced by A.
Protein change: p.Ala54=; no amino-acid change (alanine 54 retained).
Molecular consequence: synonymous variant. On other transcripts: intron variant (1).
Genome position (GRCh38, 1-based): chr7:102,028,118, G>A. VCF-style: chr7-102028118-G-A. GRCh37 (hg19) VCF-style: chr7-101671398-G-A.
Other names: c.195G>A, p.Ala65= (NM_001202543.2, NM_001202545.3, NM_001913.5 and 1 more transcripts); c.84G>A, p.Ala28= (NM_001202546.3); c.175-42221G>A (NM_001202544.3).
Identifiers: ClinVar variation 3341709 (VCV003341709.16).